The following is an entry in ClinVar:

ClinVar aggregate classification (germline): Pathogenic. Review status: reviewed by expert panel (3 of 4 stars). 3 submissions from 3 submitters: Pathogenic (1). 2 of the submissions do not count toward it. Last evaluated 2016-10-18.

Conditions:
Hereditary cancer-predisposing syndrome. Also called: Hereditary Cancer Syndrome; Neoplastic Syndromes, Hereditary; Hereditary neoplastic syndrome; Tumor predisposition. Identifiers: Orphanet 140162, MedGen C0027672, MeSH D009386, MONDO:0015356.
Breast-ovarian cancer, familial, susceptibility to, 1 (BROVCA1). Also called: BRCA1 Hereditary Breast and Ovarian Cancer; OVARIAN CANCER, SUSCEPTIBILITY TO. Identifiers: Orphanet 145, MedGen C2676676, MONDO:0011450, OMIM 604370. Disease mechanism: loss of function.

Submissions (3):

Evidence-based Network for the Interpretation of Germline Mutant Alleles (ENIGMA)
Classification: Pathogenic for Breast-ovarian cancer, familial, susceptibility to, 1. Last evaluated: 2016-10-18. Review status: reviewed by expert panel. Criteria: ENIGMA BRCA1/2 Classification Criteria (2015). Collection method: curation. Allele origin: germline.
Comment: Variant allele predicted to encode a truncated non-functional protein.

Ambry Genetics
Classification: Pathogenic for Hereditary cancer-predisposing syndrome. Last evaluated: 2024-04-16. Review status: criteria provided, single submitter. Criteria: Ambry Variant Classification Scheme 2023. Collection method: clinical testing. Allele origin: germline. Not counted in ClinVar's aggregate classification.
Comment: The c.2787_2788ins17 pathogenic mutation, located in coding exon 9 of the BRCA1 gene, results from an insertion of 17 nucleotides at position 2787, causing a translational frameshift with a predicted alternate stop codon (p.P930Lfs*76). This variant is considered to be rare based on population cohorts in the Genome Aggregation Database (gnomAD). This alteration is expected to result in loss of function by premature protein truncation or nonsense-mediated mRNA decay. As such, this alteration is interpreted as a disease-causing mutation.

Consortium of Investigators of Modifiers of BRCA1/2 (CIMBA), c/o University of Cambridge
Classification: Pathogenic for Breast-ovarian cancer, familial, susceptibility to, 1. Last evaluated: 2015-10-02. Review status: criteria provided, single submitter. Criteria: CIMBA Mutation Classification guidelines May 2016. Collection method: clinical testing. Allele origin: germline. Not counted in ClinVar's aggregate classification.

NM_007294.4(BRCA1):c.2787_2788insTTATCACTGCAGGCTTT (p.Pro930fs)

Gene: BRCA1 (BRCA1 DNA repair associated; minus strand). Cytogenetic location: 17q21.31.
Variant type: Insertion.
Coding change: c.2787_2788insTTATCACTGCAGGCTTT on transcript NM_007294.4 (MANE Select); coding-DNA positions 2787 to 2788, TTATCACTGCAGGCTTT inserted.
Protein change: p.Pro930fs; shifts the reading frame from proline 930.
Molecular consequence: frameshift variant. On other transcripts: intron variant (137).
Genome position: GRCh38 VCF-style: chr17-43092743-G-GAAAGCCTGCAGTGATAA. GRCh37 (hg19) VCF-style: chr17-41244760-G-GAAAGCCTGCAGTGATAA.
Other names: 2906ins17; c.2787_2788insTTATCACTGCAGGCTTT, p.Pro930fs (NM_007294.3, NM_001407581.1, NM_001407582.1 and 31 more transcripts); c.644-1712_644-1711insTATCACTGCAGGCTTTT (NM_001408470.1, NM_001408464.1, NM_001408468.1 and 3 more transcripts); c.647-1712_647-1711insTATCACTGCAGGCTTTT (NM_001408469.1, NM_001408453.1, NM_001408461.1 and 11 more transcripts); c.785-1712_785-1711insTATCACTGCAGGCTTTT (NM_001408397.1, NM_001408401.1, NM_001408396.1 and 13 more transcripts); c.665-1712_665-1711insTATCACTGCAGGCTTTT (NM_001408436.1, NM_001408444.1, NM_001408438.1 and 12 more transcripts); c.788-1712_788-1711insTATCACTGCAGGCTTTT (NM_001407980.1, NM_001407993.1, NM_001407976.1 and 17 more transcripts); c.653-1712_653-1711insTATCACTGCAGGCTTTT (NM_001408451.1); and 42 more; short protein forms P883fs, P930fs, P634fs, P802fs, P842fs, P860fs, P862fs, P889fs.
Identifiers: ClinVar variation 266304 (VCV000266304.7), dbSNP rs886040073, ClinGen allele CA10589812.